The following is an entry in ClinVar:

NM_001282426.2(PIK3CG):c.2944del (p.Arg982fs)

Gene: PIK3CG (phosphatidylinositol-4,5-bisphosphate 3-kinase catalytic subunit gamma; plus strand). Cytogenetic location: 7q22.3.
Variant type: Deletion.
Coding change: c.2944del on transcript NM_001282426.2 (MANE Select); coding-DNA position 2944, one base deleted (A; older notation c.2944delA).
Protein change: p.Arg982fs; shifts the reading frame from arginine 982.
Molecular consequence: frameshift variant.
Genome position (GRCh38, 1-based): chr7:106,886,206, A deleted. VCF-style (leftmost placement, unchanged base first): chr7-106886205-GA-G. GRCh37 (hg19) VCF-style: chr7-106526650-GA-G.
Other names: c.2944del, p.Arg982fs (NM_001282427.2, NM_002649.3); c.2944delA (NM_002649.3); short protein forms R982fs.
Identifiers: ClinVar variation 1675217 (VCV001675217.2), dbSNP rs1362955948, ClinGen allele CA577198492.

ClinVar aggregate classification (germline): Uncertain significance. Review status: criteria provided, single submitter (1 of 4 stars). 2 submissions from 2 submitters: Uncertain significance (1). 1 of the submissions does not count toward it. Last evaluated 2024-05-02.

Conditions:
Immunodeficiency 97 with autoinflammation (IMD97). Identifiers: MedGen C5676946, MONDO:0030717, OMIM 619802.

Allele frequency attached by ClinVar (database versions not stated): gnomAD exomes below 0.00001; gnomAD 0.00001; TOPMed 0.00002.

Submissions (2):

Women's Health and Genetics/Laboratory Corporation of America, LabCorp
Classification: Uncertain significance. Last evaluated: 2024-05-02. Review status: criteria provided, single submitter. Criteria: LabCorp Variant Classification Summary - May 2015. Collection method: clinical testing. Allele origin: germline.
Comment: Variant summary: PIK3CG c.2944delA (p.Arg982GlufsX6) results in a premature termination codon, predicted to cause absence of the protein due to nonsense mediated decay, however the molecular mechanism of disease attributed to PIK3CG is currently unknown. The variant allele was found at a frequency of 4e-06 in 251328 control chromosomes (gnomAD). The available data on variant occurrences in the general population are insufficient to allow any conclusion about variant significance. c.2944delA has been reported in the literature in an individual affected with features of Immunodeficiency 97 With Autoinflammation (Takeda_2019). These data do not allow any conclusion about variant significance. To our knowledge, no experimental evidence demonstrating an impact on protein function has been reported. The following publication has been ascertained in the context of this evaluation (PMID: 31554793). ClinVar contains an entry for this variant (Variation ID: 1675217). Based on the evidence outlined above, the variant was classified as uncertain significance.

OMIM
Classification: Pathogenic for IMMUNODEFICIENCY 97 WITH AUTOINFLAMMATION. Last evaluated: 2022-04-04. Review status: no assertion criteria provided. Collection method: literature only. Allele origin: germline. Not counted in ClinVar's aggregate classification.

Literature cited by the submitters: PubMed 31554793 (cited by Women's Health and Genetics/Laboratory Corporation of America, LabCorp and OMIM).